The following is an entry in ClinVar:

NM_002519.3(NPAT):c.1645C>A (p.Gln549Lys)

Gene: NPAT (nuclear protein, coactivator of histone transcription; minus strand). Cytogenetic location: 11q22.3.
Variant type: single nucleotide variant.
Coding change: c.1645C>A on transcript NM_002519.3 (MANE Select); coding-DNA position 1645, C replaced by A.
Protein change: p.Gln549Lys; replaces glutamine 549 with lysine.
Molecular consequence: missense variant.
Genome position (GRCh38, 1-based): chr11:108,173,339, G>T on the plus strand (C>A on the coding strand, the complement: NPAT is on the minus strand). VCF-style: chr11-108173339-G-T. GRCh37 (hg19) VCF-style: chr11-108044066-G-T.
Other names: c.1645C>A, p.Gln549Lys (NM_001321307.1); short protein forms Q549K.
Identifiers: ClinVar variation 3222479 (VCV003222479.1), dbSNP rs2496720560, ClinGen allele CA382514687.

ClinVar aggregate classification (germline): Uncertain significance (1 of 4 stars; one submission).

Allele frequency attached by ClinVar (database versions not stated): gnomAD exomes below 0.00001.
gnomAD v4.1: 1 of 1,612,868 alleles (0.000062%); highest among the groups gnomAD compares: South Asian, 0.0011%; no homozygotes.

Submission:

Ambry Genetics
Classification: Uncertain significance. Last evaluated: 2023-09-16. Review status: criteria provided, single submitter. Criteria: Ambry Variant Classification Scheme 2023. Collection method: clinical testing. Allele origin: germline.
Comment: The p.Q549K variant (also known as c.1645C>A), located in coding exon 13 of the NPAT gene, results from a C to A substitution at nucleotide position 1645. The glutamine at codon 549 is replaced by lysine, an amino acid with similar properties. This amino acid position is conserved. In addition, this alteration is predicted to be tolerated by in silico analysis. Since supporting evidence is limited at this time, the clinical significance of this alteration remains unclear.